The following is an entry in ClinVar:

ClinVar aggregate classification (germline): Uncertain significance. Review status: criteria provided, multiple submitters, no conflicts (2 of 4 stars). 4 submissions from 4 submitters: Uncertain significance (4). Last evaluated 2024-12-21.

Conditions:
Congenital muscular dystrophy due to integrin alpha-7 deficiency. Also called: Congenital muscular dystrophy with integrin alpha-7 deficiency; Muscular dystrophy, congenital, due to ITGA7 deficiency; MYOPATHY, CONGENITAL, DUE TO INTEGRIN ALPHA-7 DEFICIENCY. Identifiers: Orphanet 34520, MedGen C2750786, MONDO:0013177, OMIM 613204.

Allele frequency attached by ClinVar (database versions not stated): TOPMed 0.00004; ExAC 0.00007; ESP Exome Variant Server 0.00008; 1000 Genomes Project 30x 0.00016; 1000 Genomes Project 0.00020.
gnomAD v4.1: 63 of 1,613,840 alleles (0.0039%); highest among the groups gnomAD compares: South Asian, 0.037%; 1 homozygote.

Submissions (4):

Ambry Genetics
Classification: Uncertain significance. Last evaluated: 2024-12-21. Review status: criteria provided, single submitter. Criteria: Ambry Variant Classification Scheme 2023. Collection method: clinical testing. Allele origin: germline.

GeneDx
Classification: Uncertain significance. Last evaluated: 2024-11-12. Review status: criteria provided, single submitter. Criteria: GeneDx Variant Classification Process June 2021. Collection method: clinical testing. Allele origin: germline. Affected: yes.
Comment: In silico analysis indicates that this missense variant does not alter protein structure/function; Has not been previously published as pathogenic or benign to our knowledge

Labcorp Genetics (formerly Invitae), Labcorp
Classification: Uncertain significance for Congenital muscular dystrophy due to integrin alpha-7 deficiency. Last evaluated: 2022-08-16. Review status: criteria provided, single submitter. Criteria: Invitae Variant Classification Sherloc (09022015). Collection method: clinical testing. Allele origin: germline.
Comment: This sequence change replaces threonine, which is neutral and polar, with methionine, which is neutral and non-polar, at codon 954 of the ITGA7 protein (p.Thr954Met). This variant is present in population databases (rs142361411, gnomAD 0.03%). This variant has not been reported in the literature in individuals affected with ITGA7-related conditions. ClinVar contains an entry for this variant (Variation ID: 567040). Algorithms developed to predict the effect of missense changes on protein structure and function are either unavailable or do not agree on the potential impact of this missense change (SIFT: "Deleterious"; PolyPhen-2: "Probably Damaging"; Align-GVGD: "Class C0"). In summary, the available evidence is currently insufficient to determine the role of this variant in disease. Therefore, it has been classified as a Variant of Uncertain Significance.

Revvity Omics, Revvity
Classification: Uncertain significance for Congenital muscular dystrophy due to integrin alpha-7 deficiency. Last evaluated: 2019-09-24. Review status: criteria provided, single submitter. Criteria: ACMG Guidelines, 2015. Collection method: clinical testing. Allele origin: germline.

NM_002206.3(ITGA7):c.2861C>T (p.Thr954Met)

Gene: ITGA7 (integrin subunit alpha 7; minus strand). Cytogenetic location: 12q13.2.
Variant type: single nucleotide variant.
Coding change: c.2861C>T on transcript NM_002206.3 (MANE Select); coding-DNA position 2861, C replaced by T.
Protein change: p.Thr954Met; replaces threonine 954 with methionine.
Molecular consequence: missense variant.
Genome position (GRCh38, 1-based): chr12:55,688,941, G>A on the plus strand (C>T on the coding strand, the complement: ITGA7 is on the minus strand). VCF-style: chr12-55688941-G-A. GRCh37 (hg19) VCF-style: chr12-56082725-G-A.
Other names: c.2873C>T, p.Thr958Met (NM_001144996.2); c.2582C>T, p.Thr861Met (NM_001144997.2); c.2534C>T, p.Thr845Met (NM_001367993.1); c.1517C>T, p.Thr506Met (NM_001367994.1); c.2843C>T, p.Thr948Met (NM_001374465.1); c.2993C>T, p.Thr998Met (NM_001410977.1); c.2855C>T, p.Thr952Met (NM_001414029.1); c.2786C>T, p.Thr929Met (NM_001414030.1); and 5 more; short protein forms T954M, T861M, T845M, T958M, T506M, T948M, T998M, T841M.
Identifiers: ClinVar variation 567040 (VCV000567040.12), dbSNP rs142361411, ClinGen allele CA6615428.